The following is an entry in ClinVar:

ClinVar aggregate classification (germline): Uncertain significance (1 of 4 stars; one submission).

Allele frequency attached by ClinVar (database versions not stated): TOPMed 0.00001.

Submission:

Labcorp Genetics (formerly Invitae), Labcorp
Classification: Uncertain significance. Last evaluated: 2020-10-10. Review status: criteria provided, single submitter. Criteria: Invitae Variant Classification Sherloc (09022015). Collection method: clinical testing. Allele origin: germline.
Comment: In summary, the available evidence is currently insufficient to determine the role of this variant in disease. Therefore, it has been classified as a Variant of Uncertain Significance. Algorithms developed to predict the effect of missense changes on protein structure and function (SIFT, PolyPhen-2, Align-GVGD) all suggest that this variant is likely to be tolerated, but these predictions have not been confirmed by published functional studies and their clinical significance is uncertain. This variant has not been reported in the literature in individuals with MSH3-related conditions. This variant is not present in population databases (ExAC no frequency). This sequence change replaces isoleucine with leucine at codon 440 of the MSH3 protein (p.Ile440Leu). The isoleucine residue is highly conserved and there is a small physicochemical difference between isoleucine and leucine.

NM_002439.5(MSH3):c.1318A>C (p.Ile440Leu)

Gene: MSH3 (mutS homolog 3; plus strand). Cytogenetic location: 5q14.1.
Variant type: single nucleotide variant.
Coding change: c.1318A>C on transcript NM_002439.5 (MANE Select); coding-DNA position 1318, A replaced by C.
Protein change: p.Ile440Leu; replaces isoleucine 440 with leucine.
Molecular consequence: missense variant.
Genome position (GRCh38, 1-based): chr5:80,679,071, A>C. VCF-style: chr5-80679071-A-C. GRCh37 (hg19) VCF-style: chr5-79974890-A-C.
Other names: short protein forms I440L.
Identifiers: ClinVar variation 1047791 (VCV001047791.8), dbSNP rs1415582194, ClinGen allele CA360269109.
Genomic context (GRCh38, chr5:80,679,071, plus strand): 5'-AGCCTGCAGCCAGTAGAGCTGCTGCTTCCTTCGGCCTTGTCCGAGCAAACAGAGGCGCTC[A>C]TCCACAGAGCCACATCTGTTAGGTAAGTTGGCACATCACTGGAATATAATACCGATTCTG-3'
Protein context (NP_002430.3, residues 430-450): SALSEQTEAL[Ile440Leu]HRATSVSVQD